The following is an entry in ClinVar:

NM_000334.4(SCN4A):c.3002G>A (p.Arg1001His)

Genes: GH-LCR (growth hormone locus control region; plus strand), SCN4A (sodium voltage-gated channel alpha subunit 4; minus strand). Cytogenetic location: 17q23.3.
Variant type: single nucleotide variant.
Coding change: c.3002G>A on transcript NM_000334.4 (MANE Select); coding-DNA position 3002, G replaced by A.
Protein change: p.Arg1001His; replaces arginine 1001 with histidine.
Molecular consequence: missense variant.
Genome position (GRCh38, 1-based): chr17:63,948,753, C>T on the plus strand (G>A on the coding strand, the complement: SCN4A is on the minus strand). VCF-style: chr17-63948753-C-T. GRCh37 (hg19) VCF-style: chr17-62026113-C-T.
Other names: short protein forms R1001H.
Identifiers: ClinVar variation 566236 (VCV000566236.10), dbSNP rs770588235, ClinGen allele CA8709418.

ClinVar aggregate classification (germline): Uncertain significance. Review status: criteria provided, multiple submitters, no conflicts (2 of 4 stars). 3 submissions from 3 submitters: Uncertain significance (3). Last evaluated 2025-07-05.

Conditions:
Hyperkalemic periodic paralysis. Also called: Familial hyperkalemic periodic paralysis; Gamstorp disease. Identifiers: Orphanet 682, MedGen C0238357, MONDO:0008224, OMIM 170500, HP:0007215.
Congenital myasthenic syndrome 16. Identifiers: Orphanet 590, MedGen C3280112, MONDO:0013620, OMIM 614198.
Hypokalemic periodic paralysis, type 1. Also called: Hypokalemic Periodic Paralysis Type 1 (AD); HypoPP. Identifiers: Orphanet 681, MedGen C3714580, MONDO:0042979, OMIM 170400.
Paramyotonia congenita of Von Eulenburg. Also called: Myotonia congenita intermittens; Von Eulenburg paramyotonia congenita; Paramyotonia Congenita; PARALYSIS PERIODICA PARAMYOTONICA; Eulenburg disease. Identifiers: Orphanet 684, MedGen C0221055, MONDO:0008195, OMIM 168300. Disease mechanism: loss of function.
Hypokalemic periodic paralysis, type 2 (HOKPP2). Identifiers: Orphanet 681, MedGen C2750061, MONDO:0013234, OMIM 613345.
Potassium-aggravated myotonia. Also called: Myotonia congenita, atypical, acetazolamide-responsive; MYOTONIA CONGENITA, ACETAZOLAMIDE-RESPONSIVE; MYOTONIA CONGENITA, ATYPICAL; SODIUM CHANNEL MUSCLE DISEASE. Identifiers: Orphanet 612, Orphanet 99734, Orphanet 99735, Orphanet 99736, MedGen C2931826, MONDO:0018959, OMIM 608390.

Allele frequency attached by ClinVar (database versions not stated): TOPMed 0.00003; gnomAD exomes 0.00003 and 0.00002; ExAC 0.00003.

Submissions (3):

Labcorp Genetics (formerly Invitae), Labcorp
Classification: Uncertain significance for Hyperkalemic periodic paralysis. Last evaluated: 2025-07-05. Review status: criteria provided, single submitter. Criteria: Invitae Variant Classification Sherloc (09022015). Collection method: clinical testing. Allele origin: germline.
Comment: This sequence change replaces arginine, which is basic and polar, with histidine, which is basic and polar, at codon 1001 of the SCN4A protein (p.Arg1001His). This variant is present in population databases (rs770588235, gnomAD 0.01%). This variant has not been reported in the literature in individuals affected with SCN4A-related conditions. ClinVar contains an entry for this variant (Variation ID: 566236). Invitae Evidence Modeling of protein sequence and biophysical properties (such as structural, functional, and spatial information, amino acid conservation, physicochemical variation, residue mobility, and thermodynamic stability) indicates that this missense variant is not expected to disrupt SCN4A protein function with a negative predictive value of 95%. In summary, the available evidence is currently insufficient to determine the role of this variant in disease. Therefore, it has been classified as a Variant of Uncertain Significance.

Women's Health and Genetics/Laboratory Corporation of America, LabCorp
Classification: Uncertain significance. Last evaluated: 2024-12-16. Review status: criteria provided, single submitter. Criteria: LabCorp Variant Classification Summary - May 2015. Collection method: clinical testing. Allele origin: germline.
Comment: Variant summary: SCN4A c.3002G>A (p.Arg1001His) results in a non-conservative amino acid change in the encoded protein sequence. Three of five in-silico tools predict a damaging effect of the variant on protein function. The variant allele was found at a frequency of 2e-05 in 244522 control chromosomes. The available data on variant occurrences in the general population are insufficient to allow any conclusion about variant significance. To our knowledge, no occurrence of c.3002G>A in individuals affected with Acetazolamide-Responsive Myotonia and no experimental evidence demonstrating its impact on protein function have been reported. ClinVar contains an entry for this variant (Variation ID: 566236). Based on the evidence outlined above, the variant was classified as uncertain significance.

Fulgent Genetics
Classification: Uncertain significance for Paramyotonia congenita of Von Eulenburg; Hypokalemic periodic paralysis, type 1; Hyperkalemic periodic paralysis; Potassium-aggravated myotonia; Hypokalemic periodic paralysis, type 2; Congenital myasthenic syndrome 16. Last evaluated: 2022-03-17. Review status: criteria provided, single submitter. Criteria: ACMG Guidelines, 2015. Collection method: clinical testing. Allele origin: unknown.